The following is an entry in ClinVar:

NM_004360.5(CDH1):c.1466C>A (p.Pro489His)

Gene: CDH1 (cadherin 1; plus strand). Cytogenetic location: 16q22.1.
Variant type: single nucleotide variant.
Coding change: c.1466C>A on transcript NM_004360.5 (MANE Select); coding-DNA position 1466, C replaced by A.
Protein change: p.Pro489His; replaces proline 489 with histidine.
Molecular consequence: missense variant. On other transcripts: 5 prime UTR variant (2).
Genome position (GRCh38, 1-based): chr16:68,815,660, C>A. VCF-style: chr16-68815660-C-A. GRCh37 (hg19) VCF-style: chr16-68849563-C-A.
Other names: c.1466C>A (LRG_301t1); c.1283C>A, p.Pro428His (NM_001317184.2); c.-83C>A (NM_001317185.2); c.-354C>A (NM_001317186.2); short protein forms P489H, P428H.
Identifiers: ClinVar variation 658525 (VCV000658525.11), dbSNP rs766713582, ClinGen allele CA396463121.

ClinVar aggregate classification (germline): Conflicting classifications of pathogenicity. Review status: criteria provided, conflicting classifications (1 of 4 stars). 3 submissions from 3 submitters: Uncertain significance (2); Likely benign (1). Last evaluated 2024-07-09.

Conditions:
Hereditary diffuse gastric adenocarcinoma (HDGC). Also called: DIFFUSE GASTRIC AND LOBULAR BREAST CANCER SYNDROME. Identifiers: Orphanet 26106, MedGen C1708349, MONDO:0007648, OMIM 137215.
Hereditary cancer-predisposing syndrome. Also called: Neoplastic Syndromes, Hereditary; Hereditary neoplastic syndrome; Hereditary Cancer Syndrome; Tumor predisposition. Identifiers: Orphanet 140162, MedGen C0027672, MeSH D009386, MONDO:0015356.

Submissions (3):

Ambry Genetics
Classification: Likely benign for Hereditary cancer-predisposing syndrome. Last evaluated: 2024-07-09. Review status: criteria provided, single submitter. Criteria: Ambry Variant Classification Scheme 2023. Collection method: clinical testing. Allele origin: germline.

Labcorp Genetics (formerly Invitae), Labcorp
Classification: Uncertain significance for Hereditary diffuse gastric adenocarcinoma. Last evaluated: 2024-04-09. Review status: criteria provided, single submitter. Criteria: Invitae Variant Classification Sherloc (09022015). Collection method: clinical testing. Allele origin: germline.
Comment: This sequence change replaces proline, which is neutral and non-polar, with histidine, which is basic and polar, at codon 489 of the CDH1 protein (p.Pro489His). This variant is not present in population databases (gnomAD no frequency). This variant has not been reported in the literature in individuals affected with CDH1-related conditions. ClinVar contains an entry for this variant (Variation ID: 658525). An algorithm developed to predict the effect of missense changes on protein structure and function (PolyPhen-2) suggests that this variant is likely to be disruptive. In summary, the available evidence is currently insufficient to determine the role of this variant in disease. Therefore, it has been classified as a Variant of Uncertain Significance.

Women's Health and Genetics/Laboratory Corporation of America, LabCorp
Classification: Uncertain significance. Last evaluated: 2021-05-24. Review status: criteria provided, single submitter. Criteria: LabCorp Variant Classification Summary - May 2015. Collection method: clinical testing. Allele origin: germline.
Comment: Variant summary: CDH1 c.1466C>A (p.Pro489His) results in a non-conservative amino acid change located in the Cadherin-like domain (IPR002126) of the encoded protein sequence. Three of five in-silico tools predict a benign effect of the variant on protein function. The variant was absent in 251486 control chromosomes. The available data on variant occurrences in the general population are insufficient to allow any conclusion about variant significance. To our knowledge, no occurrence of c.1466C>A in individuals affected with Hereditary Diffuse Gastric Cancer and no experimental evidence demonstrating its impact on protein function have been reported. One clinical diagnostic laboratory has submitted clinical-significance assessments for this variant to ClinVar after 2014 without evidence for independent evaluation and classified the variant as uncertain significance. Based on the evidence outlined above, the variant was classified as uncertain significance.